The following is an entry in ClinVar:

NM_001202.6(BMP4):c.215A>T (p.Gln72Leu)

Gene: BMP4 (bone morphogenetic protein 4; minus strand). Cytogenetic location: 14q22.2.
Variant type: single nucleotide variant.
Coding change: c.215A>T on transcript NM_001202.6 (MANE Select); coding-DNA position 215, A replaced by T.
Protein change: p.Gln72Leu; replaces glutamine 72 with leucine.
Molecular consequence: missense variant.
Genome position (GRCh38, 1-based): chr14:53,952,008, T>A on the plus strand (A>T on the coding strand, the complement: BMP4 is on the minus strand). VCF-style: chr14-53952008-T-A. GRCh37 (hg19) VCF-style: chr14-54418726-T-A.
Other names: c.356A>T, p.Gln119Leu (NM_001347912.1); c.26A>T, p.Gln9Leu (NM_001347913.2, NM_001347915.2, NM_001347917.1); c.215A>T, p.Gln72Leu (NM_001347914.2, NM_001347916.1, NM_130850.5 and 1 more transcripts); short protein forms Q72L, Q119L, Q9L.
Identifiers: ClinVar variation 4783374 (VCV004783374.1).

ClinVar aggregate classification (germline): Uncertain significance (1 of 4 stars; one submission).

Conditions:
Orofacial cleft 11 (OFC11). Also called: Orofacial cleft 11; ofc11; CLEFT LIP WITH OR WITHOUT CLEFT PALATE, NONSYNDROMIC, 11. Identifiers: MedGen C2677434, MONDO:0010906, OMIM 600625.
Microphthalmia with brain and digit anomalies (MCOPS6). Also called: MICROPHTHALMIA AND PITUITARY ANOMALIES; Microphthalmia, syndromic 6. Identifiers: Orphanet 139471, MedGen C1864689, MONDO:0011936, OMIM 607932.

gnomAD v4.1: 2 of 1,613,986 alleles (0.00012%); highest among the groups gnomAD compares: Non-Finnish European, 0.00017%; no homozygotes.

Submission:

Labcorp Genetics (formerly Invitae), Labcorp
Classification: Uncertain significance for Microphthalmia with brain and digit anomalies; Orofacial cleft 11. Last evaluated: 2025-10-06. Review status: criteria provided, single submitter. Criteria: Invitae Variant Classification Sherloc (09022015). Collection method: clinical testing. Allele origin: germline.
Comment: This sequence change replaces glutamine, which is neutral and polar, with leucine, which is neutral and non-polar, at codon 72 of the BMP4 protein (p.Gln72Leu). This variant is not present in population databases (gnomAD no frequency). This variant has not been reported in the literature in individuals affected with BMP4-related conditions. Invitae Evidence Modeling of protein sequence and biophysical properties (such as structural, functional, and spatial information, amino acid conservation, physicochemical variation, residue mobility, and thermodynamic stability) indicates that this missense variant is not expected to disrupt BMP4 protein function with a negative predictive value of 80%. In summary, the available evidence is currently insufficient to determine the role of this variant in disease. Therefore, it has been classified as a Variant of Uncertain Significance.